The following is an entry in ClinVar:

ClinVar aggregate classification (germline): Uncertain significance (1 of 4 stars; one submission).

Submission:

Labcorp Genetics (formerly Invitae), Labcorp
Classification: Uncertain significance. Last evaluated: 2021-08-24. Review status: criteria provided, single submitter. Criteria: Invitae Variant Classification Sherloc (09022015). Collection method: clinical testing. Allele origin: germline.
Comment: This sequence change affects a donor splice site in intron 2 of the SAMD11 gene. It is expected to disrupt RNA splicing. Variants that disrupt the donor or acceptor splice site typically lead to a loss of protein function (PMID: 16199547), however the current clinical and genetic evidence is not sufficient to establish whether loss-of-function variants in SAMD11 cause disease. This variant is not present in population databases (ExAC no frequency). This variant has not been reported in the literature in individuals affected with SAMD11-related conditions. Algorithms developed to predict the effect of sequence changes on RNA splicing suggest that this variant may disrupt the consensus splice site. In summary, the available evidence is currently insufficient to determine the role of this variant in disease. Therefore, it has been classified as a Variant of Uncertain Significance.

Literature cited by the submitters: PubMed 16199547.

NM_001385641.1(SAMD11):c.609+1G>A

Gene: SAMD11 (sterile alpha motif domain containing 11; plus strand). Cytogenetic location: 1p36.33.
Variant type: single nucleotide variant.
Coding change: c.609+1G>A on transcript NM_001385641.1 (MANE Select); the canonical splice donor site of the intron after coding-DNA position 609, G replaced by A.
Molecular consequence: splice donor variant.
Genome position (GRCh38, 1-based): chr1:926,014, G>A. VCF-style: chr1-926014-G-A. GRCh37 (hg19) VCF-style: chr1-861394-G-A.
Other names: c.609+1G>A (NM_001385640.1); c.72+1G>A (NM_152486.4).
Identifiers: ClinVar variation 1377425 (VCV001377425.6), dbSNP rs2100289567, ClinGen allele CA337788387.